The following is an entry in ClinVar:

ClinVar aggregate classification (germline): Likely benign (0 of 4 stars; one submission).

Conditions:
PLXNA1-related disorder. Also called: PLXNA1-related condition.

Allele frequency attached by ClinVar (database versions not stated): gnomAD 0.00002; ExAC 0.00003; TOPMed 0.00003; gnomAD exomes 0.00007; ESP Exome Variant Server 0.00008.
gnomAD v4.1: 106 of 1,612,944 alleles (0.0066%); highest among the groups gnomAD compares: Non-Finnish European, 0.0089%; no homozygotes.

Submission:

PreventionGenetics, part of Exact Sciences
Classification: Likely benign for PLXNA1-related condition. Last evaluated: 2021-08-16. Review status: no assertion criteria provided. Collection method: clinical testing. Allele origin: germline.
Comment: This variant is classified as likely benign based on ACMG/AMP sequence variant interpretation guidelines (Richards et al. 2015 PMID: 25741868, with internal and published modifications).

NM_032242.4(PLXNA1):c.3822T>G (p.Ala1274=)

Gene: PLXNA1 (plexin A1; plus strand). Cytogenetic location: 3q21.3.
Variant type: single nucleotide variant.
Coding change: c.3822T>G on transcript NM_032242.4 (MANE Select); coding-DNA position 3822, T replaced by G.
Protein change: p.Ala1274=; no amino-acid change (alanine 1274 retained).
Molecular consequence: synonymous variant.
Genome position (GRCh38, 1-based): chr3:127,018,455, T>G. VCF-style: chr3-127018455-T-G. GRCh37 (hg19) VCF-style: chr3-126737298-T-G.
Identifiers: ClinVar variation 3036886 (VCV003036886.2), dbSNP rs367670657, ClinGen allele CA2594152.